The following is an entry in ClinVar:

NM_000440.3(PDE6A):c.331_332delinsCA (p.Arg111Gln)

Gene: PDE6A (phosphodiesterase 6A; minus strand). Cytogenetic location: 5q32.
Variant type: Indel.
Coding change: c.331_332delinsCA on transcript NM_000440.3 (MANE Select); coding-DNA positions 331 to 332, AG replaced by CA.
Protein change: p.Arg111Gln; replaces arginine 111 with glutamine.
Molecular consequence: missense variant.
Genome position (GRCh38, 1-based): chr5:149,944,342-149,944,343, CT replaced by TG on the plus strand (AG replaced by CA on the coding strand, the reverse complement: PDE6A is on the minus strand). VCF-style: chr5-149944342-CT-TG. GRCh37 (hg19) VCF-style: chr5-149323905-CT-TG.
Other names: c.331_332delAGinsCA, p.Arg111Gln (NM_001410788.1); short protein forms R111Q.
Identifiers: ClinVar variation 1940801 (VCV001940801.4), dbSNP rs2480711764, ClinGen allele CA2580073848.

ClinVar aggregate classification (germline): Uncertain significance. Review status: criteria provided, multiple submitters, no conflicts (2 of 4 stars). 2 submissions from 2 submitters: Uncertain significance (2). Last evaluated 2024-03-19.

Submissions (2):

Blueprint Genetics
Classification: Uncertain significance. Last evaluated: 2024-03-19. Review status: criteria provided, single submitter. Criteria: ACMG Guidelines, 2015. Collection method: clinical testing. Allele origin: germline.

Labcorp Genetics (formerly Invitae), Labcorp
Classification: Uncertain significance. Last evaluated: 2024-02-20. Review status: criteria provided, single submitter. Criteria: Invitae Variant Classification Sherloc (09022015). Collection method: clinical testing. Allele origin: germline.
Comment: This sequence change replaces arginine, which is basic and polar, with glutamine, which is neutral and polar, at codon 111 of the PDE6A protein (p.Arg111Gln). This variant is present in population databases (no rsID available, gnomAD 0.003%). This variant has not been reported in the literature in individuals affected with PDE6A-related conditions. ClinVar contains an entry for this variant (Variation ID: 1940801). An algorithm developed to predict the effect of missense changes on protein structure and function (PolyPhen-2) suggests that this variant is likely to be disruptive. In summary, the available evidence is currently insufficient to determine the role of this variant in disease. Therefore, it has been classified as a Variant of Uncertain Significance.